The following is an entry in ClinVar:

NM_005902.4(SMAD3):c.481C>A (p.Pro161Thr)

Gene: SMAD3 (SMAD family member 3; plus strand). Cytogenetic location: 15q22.33.
Variant type: single nucleotide variant.
Coding change: c.481C>A on transcript NM_005902.4 (MANE Select); coding-DNA position 481, C replaced by A.
Protein change: p.Pro161Thr; replaces proline 161 with threonine.
Molecular consequence: missense variant.
Genome position (GRCh38, 1-based): chr15:67,165,333, C>A. VCF-style: chr15-67165333-C-A. GRCh37 (hg19) VCF-style: chr15-67457671-C-A.
Other names: c.166C>A, p.Pro56Thr (NM_001145102.2, NM_001407016.1); c.349C>A, p.Pro117Thr (NM_001145103.2); c.481C>A, p.Pro161Thr (NM_001407011.1, NM_001407013.1); c.334C>A, p.Pro112Thr (NM_001407014.1); short protein forms P112T, P117T, P161T, P56T.
Identifiers: ClinVar variation 2094925 (VCV002094925.4), dbSNP rs2505213864, ClinGen allele CA392954401.
Genomic context (GRCh38, chr15:67,165,333, plus strand): 5'-CCACGCCACACAGAGATCCCGGCCGAGTTCCCCCCACTGGACGACTACAGCCATTCCATC[C>A]CCGAAAACACTAACTTCCCCGCAGGCATCGAGCCCCAGAGCAATATTCCAGGTAGGCACG-3'
Protein context (NP_005893.1, residues 151-171): PPLDDYSHSI[Pro161Thr]ENTNFPAGIE

ClinVar aggregate classification (germline): Uncertain significance (1 of 4 stars; one submission).

Conditions:
Familial thoracic aortic aneurysm and aortic dissection (TAAD). Also called: Thoracic aortic aneurysms and dissections. Identifiers: Orphanet 91387, MedGen C4707243, MONDO:0019625.

Submission:

Labcorp Genetics (formerly Invitae), Labcorp
Classification: Uncertain significance for Familial thoracic aortic aneurysm and aortic dissection. Last evaluated: 2022-05-21. Review status: criteria provided, single submitter. Criteria: Invitae Variant Classification Sherloc (09022015). Collection method: clinical testing. Allele origin: germline.
Comment: In summary, the available evidence is currently insufficient to determine the role of this variant in disease. Therefore, it has been classified as a Variant of Uncertain Significance. Algorithms developed to predict the effect of missense changes on protein structure and function are either unavailable or do not agree on the potential impact of this missense change (SIFT: "Not Available"; PolyPhen-2: "Probably Damaging"; Align-GVGD: "Not Available"). This variant has not been reported in the literature in individuals affected with SMAD3-related conditions. This variant is not present in population databases (gnomAD no frequency). This sequence change replaces proline, which is neutral and non-polar, with threonine, which is neutral and polar, at codon 161 of the SMAD3 protein (p.Pro161Thr).